The following is an entry in ClinVar:

NM_032520.5(GNPTG):c.417_429del (p.Leu140fs)

Gene: GNPTG (N-acetylglucosamine-1-phosphate transferase subunit gamma; plus strand). Cytogenetic location: 16p13.3.
Variant type: Deletion.
Coding change: c.417_429del on transcript NM_032520.5 (MANE Select); coding-DNA positions 417 to 429, 13 bases deleted (GCTGGCGTGTGGA).
Protein change: p.Leu140fs; shifts the reading frame from leucine 140.
Molecular consequence: frameshift variant.
Genome position (GRCh38, 1-based): chr16:1,362,211-1,362,223, GCTGGCGTGTGGA deleted; deleting any 13 consecutive bases within chr16:1,362,206-1,362,223 gives the same sequence; the c. name uses the placement nearest the transcript's 3' end. VCF-style (leftmost placement, unchanged base first): chr16-1362205-GGTGGAGCTGGCGT-G. GRCh37 (hg19) VCF-style: chr16-1412206-GGTGGAGCTGGCGT-G.
Other names: short protein forms L140fs.
Identifiers: ClinVar variation 1076841 (VCV001076841.7), dbSNP rs2141862900, ClinGen allele CA2499223218.

ClinVar aggregate classification (germline): Pathogenic (1 of 4 stars; one submission).

Submission:

Labcorp Genetics (formerly Invitae), Labcorp
Classification: Pathogenic. Last evaluated: 2022-08-31. Review status: criteria provided, single submitter. Criteria: Invitae Variant Classification Sherloc (09022015). Collection method: clinical testing. Allele origin: germline.
Comment: This sequence change creates a premature translational stop signal (p.Leu140Lysfs*18) in the GNPTG gene. It is expected to result in an absent or disrupted protein product. Loss-of-function variants in GNPTG are known to be pathogenic (PMID: 19370764, 20301784). For these reasons, this variant has been classified as Pathogenic. Algorithms developed to predict the effect of sequence changes on RNA splicing suggest that this variant may disrupt the consensus splice site. ClinVar contains an entry for this variant (Variation ID: 1076841). This variant has not been reported in the literature in individuals affected with GNPTG-related conditions. This variant is not present in population databases (gnomAD no frequency).

Literature cited by the submitters: PubMed 19370764; PubMed 20301784.